The following is an entry in ClinVar:

NM_001458.5(FLNC):c.6714C>T (p.Thr2238=)

Genes: FLNC (filamin C; plus strand), FLNC-AS1 (FLNC antisense RNA 1; minus strand). Cytogenetic location: 7q32.1.
Variant type: single nucleotide variant.
Coding change: c.6714C>T on transcript NM_001458.5 (MANE Select); coding-DNA position 6714, C replaced by T.
Protein change: p.Thr2238=; no amino-acid change (threonine 2238 retained).
Molecular consequence: synonymous variant.
Genome position (GRCh38, 1-based): chr7:128,854,203, C>T. VCF-style: chr7-128854203-C-T. GRCh37 (hg19) VCF-style: chr7-128494257-C-T.
Other names: c.6615C>T, p.Thr2205= (NM_001127487.2).
Identifiers: ClinVar variation 472142 (VCV000472142.30), dbSNP rs10268251, ClinGen allele CA4476052.

ClinVar aggregate classification (germline): Conflicting classifications of pathogenicity. Review status: criteria provided, conflicting classifications (1 of 4 stars). 10 submissions from 10 submitters: Uncertain significance (1); Benign (3); Likely benign (3). 3 of the submissions do not count toward it. Last evaluated 2026-02-02.

Conditions:
Cardiomyopathy (CMYO). Also called: Cardiomyopathies. Identifiers: Orphanet 167848, MedGen C0878544, MONDO:0004994, HP:0001638. Inheritance: Various modes of inheritance.
Myofibrillar myopathy 5. Also called: FILAMINOPATHY, AUTOSOMAL DOMINANT; Filaminopathy (type). Identifiers: Orphanet 171445, MedGen C1836050, MONDO:0012289, OMIM 609524.
Distal myopathy with posterior leg and anterior hand involvement. Also called: WILLIAMS DISTAL MYOPATHY. Identifiers: Orphanet 63273, MedGen C3279722, MONDO:0013550, OMIM 614065.
Hypertrophic cardiomyopathy 26. Also called: Cardiomyopathy, familial hypertrophic, 26. Identifiers: Orphanet 75249, MedGen C4310749, MONDO:0014883, OMIM 617047.
FLNC-related disorder. Also called: FLNC-related disorders; FLNC-related condition.
Cardiovascular phenotype. Identifiers: MedGen CN230736.

Allele frequency attached by ClinVar (database versions not stated): ESP Exome Variant Server 0.00106; TOPMed 0.00124; gnomAD 0.00143; 1000 Genomes Project 0.00240; 1000 Genomes Project 30x 0.00281.
gnomAD v4.1: 387 of 1,607,628 alleles (0.024%); highest among the groups gnomAD compares: African/African-American, 0.48%; 1 homozygote.

Submissions (10):

Labcorp Genetics (formerly Invitae), Labcorp
Classification: Benign for Distal myopathy with posterior leg and anterior hand involvement; Myofibrillar myopathy 5; Hypertrophic cardiomyopathy 26. Last evaluated: 2026-02-02. Review status: criteria provided, single submitter. Criteria: Invitae Variant Classification Sherloc (09022015). Collection method: clinical testing. Allele origin: germline.

ARUP Laboratories, Molecular Genetics and Genomics, ARUP Laboratories
Classification: Likely benign. Last evaluated: 2025-06-25. Review status: criteria provided, single submitter. Criteria: ARUP Molecular Germline Variant Investigation Process 2024. Collection method: clinical testing. Allele origin: germline.

Blueprint Genetics
Classification: Likely benign. Last evaluated: 2023-06-29. Review status: criteria provided, single submitter. Criteria: ACMG Guidelines, 2015. Collection method: clinical testing. Allele origin: germline.

CHEO Genetics Diagnostic Laboratory, Children's Hospital of Eastern Ontario
Classification: Benign for Cardiomyopathy. Last evaluated: 2022-08-31. Review status: criteria provided, single submitter. Criteria: ACMG Guidelines, 2015. Collection method: clinical testing. Allele origin: germline.

GeneDx
Classification: Likely benign. Last evaluated: 2021-06-04. Review status: criteria provided, single submitter. Criteria: GeneDx Variant Classification Process June 2021. Collection method: clinical testing. Allele origin: germline. Affected: yes.
Comment: This variant is associated with the following publications: (PMID: 26582918)

Ambry Genetics
Classification: Benign for Cardiovascular phenotype. Last evaluated: 2019-04-25. Review status: criteria provided, single submitter. Criteria: Ambry Variant Classification Scheme 2023. Collection method: clinical testing. Allele origin: germline.

Eurofins Ntd Llc (ga)
Classification: Uncertain significance. Last evaluated: 2017-01-09. Review status: criteria provided, single submitter. Criteria: EGL Classification Definitions 2015. Collection method: clinical testing. Allele origin: germline. Observed: 1 variant allele, 1 heterozygote.

PreventionGenetics, part of Exact Sciences
Classification: Benign for FLNC-related condition. Last evaluated: 2019-05-21. Review status: no assertion criteria provided. Collection method: clinical testing. Allele origin: germline. Not counted in ClinVar's aggregate classification.
Comment: This variant is classified as benign based on ACMG/AMP sequence variant interpretation guidelines (Richards et al. 2015 PMID: 25741868, with internal and published modifications).

Clinical Genetics DNA and cytogenetics Diagnostics Lab, Erasmus MC, Erasmus Medical Center
Classification: Likely benign. Review status: no assertion criteria provided. Collection method: clinical testing. Allele origin: germline. Affected: yes. Study: VKGL Data-share Consensus. Not counted in ClinVar's aggregate classification.

Clinical Genetics, Academic Medical Center
Classification: Benign. Review status: no assertion criteria provided. Collection method: clinical testing. Allele origin: germline. Affected: yes. Study: VKGL Data-share Consensus. Not counted in ClinVar's aggregate classification.